The following is an entry in ClinVar:

ClinVar aggregate classification (germline): Pathogenic (1 of 4 stars; one submission).

Submission:

Labcorp Genetics (formerly Invitae), Labcorp
Classification: Pathogenic. Last evaluated: 2022-11-15. Review status: criteria provided, single submitter. Criteria: Invitae Variant Classification Sherloc (09022015). Collection method: clinical testing. Allele origin: germline.
Comment: This variant results in the deletion of part of exon 1 (c.-1168_13del) of the GPR143 gene. It is expected to result in an absent or disrupted protein product. Loss-of-function variants in GPR143 are known to be pathogenic (PMID: 15965158, 18978956, 19390656, 21541274, 26160353, 28211458). This variant has not been reported in the literature in individuals affected with GPR143-related conditions. For these reasons, this variant has been classified as Pathogenic.

Literature cited by the submitters: PubMed 15965158; PubMed 18978956; PubMed 19390656; PubMed 21541274; PubMed 26160353; PubMed 28211458.

NC_000023.10:g.(?_9733845)_(9735025_?)del

Gene: GPR143 (G protein-coupled receptor 143; minus strand). Cytogenetic location: Xp22.2.
Variant type: Deletion.
Identifiers: ClinVar variation 2422766 (VCV002422766.4).